The following is an entry in ClinVar:

NM_024757.5(EHMT1):c.3294G>T (p.Glu1098Asp)

Gene: EHMT1 (euchromatic histone lysine methyltransferase 1; plus strand). Cytogenetic location: 9q34.3.
Variant type: single nucleotide variant.
Coding change: c.3294G>T on transcript NM_024757.5 (MANE Select); coding-DNA position 3294, G replaced by T.
Protein change: p.Glu1098Asp; replaces glutamic acid 1098 with aspartic acid.
Molecular consequence: missense variant.
Genome position (GRCh38, 1-based): chr9:137,815,982, G>T. VCF-style: chr9-137815982-G-T. GRCh37 (hg19) VCF-style: chr9-140710434-G-T.
Other names: c.3273G>T, p.Glu1091Asp (NM_001354263.2); short protein forms E1098D, E1091D.
Identifiers: ClinVar variation 566293 (VCV000566293.10), dbSNP rs911814791, ClinGen allele CA201845853.

ClinVar aggregate classification (germline): Conflicting classifications of pathogenicity. Review status: criteria provided, conflicting classifications (1 of 4 stars). 3 submissions from 3 submitters: Uncertain significance (2); Benign (1). Last evaluated 2026-09-26.

Conditions:
EHMT1-related disorder. Also called: EHMT1-related condition.
Inborn genetic diseases. Identifiers: MedGen C0950123, MeSH D030342.
Kleefstra syndrome 1 (KLEFS1). Identifiers: Orphanet 261494, MedGen C0795833, MONDO:0027407, OMIM 610253.

Allele frequency attached by ClinVar (database versions not stated): gnomAD exomes below 0.00001; gnomAD 0.00001; TOPMed 0.00006.
gnomAD v4.1: 4 of 1,611,726 alleles (0.00025%); highest among the groups gnomAD compares: Admixed American, 0.005%; no homozygotes.

Submissions (3):

PreventionGenetics, part of Exact Sciences
Classification: Uncertain significance for EHMT1-related condition. Last evaluated: 2026-09-26. Review status: criteria provided, single submitter. Criteria: ACMG Guidelines, 2015. Collection method: clinical testing. Allele origin: germline.
Comment: The EHMT1 c.3294G>T variant is predicted to result in the amino acid substitution p.Glu1098Asp. To our knowledge, this variant has not been reported in the literature. This variant is reported in 0.0029% of alleles in individuals of Latino descent in gnomAD. At this time, the clinical significance of this variant is uncertain due to the absence of conclusive functional and genetic evidence.

Ambry Genetics
Classification: Uncertain significance for Inborn genetic diseases. Last evaluated: 2026-04-16. Review status: criteria provided, single submitter. Criteria: Ambry Variant Classification Scheme 2023. Collection method: clinical testing. Allele origin: germline.

Labcorp Genetics (formerly Invitae), Labcorp
Classification: Benign for Kleefstra syndrome 1. Last evaluated: 2024-09-30. Review status: criteria provided, single submitter. Criteria: Invitae Variant Classification Sherloc (09022015). Collection method: clinical testing. Allele origin: germline.